The following is an entry in ClinVar:

ClinVar aggregate classification (germline): Benign/Likely benign. Review status: criteria provided, multiple submitters, no conflicts (2 of 4 stars). 4 submissions from 4 submitters: Benign (1); Likely benign (3). Last evaluated 2025-09-23.

Conditions:
PIEZO1-related disorder. Also called: PIEZO1-related condition; PIEZO1-Related Disorders.

Allele frequency attached by ClinVar (database versions not stated): ExAC 0.00033; ESP Exome Variant Server 0.00066; gnomAD 0.00078 and 0.00084; 1000 Genomes Project 0.00080; 1000 Genomes Project 30x 0.00094.
gnomAD v4.1: 271 of 1,550,486 alleles (0.017%); highest among the groups gnomAD compares: African/African-American, 0.3%; 1 homozygote.

Submissions (4):

Labcorp Genetics (formerly Invitae), Labcorp
Classification: Benign. Last evaluated: 2025-09-23. Review status: criteria provided, single submitter. Criteria: Invitae Variant Classification Sherloc (09022015). Collection method: clinical testing. Allele origin: germline.

PreventionGenetics, part of Exact Sciences
Classification: Likely benign for PIEZO1-related condition. Last evaluated: 2025-07-01. Review status: criteria provided, single submitter. Criteria: ACMG Guidelines, 2015. Collection method: clinical testing. Allele origin: germline.
Comment: This variant is classified as likely benign based on ACMG/AMP sequence variant interpretation guidelines (Richards et al. 2015 PMID: 25741868, with internal and published modifications).

Blueprint Genetics
Classification: Likely benign. Last evaluated: 2024-10-23. Review status: criteria provided, single submitter. Criteria: ACMG Guidelines, 2015. Collection method: clinical testing. Allele origin: germline.

ARUP Laboratories, Molecular Genetics and Genomics, ARUP Laboratories
Classification: Likely benign. Last evaluated: 2024-08-30. Review status: criteria provided, single submitter. Criteria: ARUP Molecular Germline Variant Investigation Process 2024. Collection method: clinical testing. Allele origin: germline.

NM_001142864.4(PIEZO1):c.5874C>T (p.Thr1958=)

Gene: PIEZO1 (piezo type mechanosensitive ion channel component 1 (Er blood group); minus strand). Cytogenetic location: 16q24.3.
Variant type: single nucleotide variant.
Coding change: c.5874C>T on transcript NM_001142864.4 (MANE Select); coding-DNA position 5874, C replaced by T.
Protein change: p.Thr1958=; no amino-acid change (threonine 1958 retained).
Molecular consequence: synonymous variant.
Genome position (GRCh38, 1-based): chr16:88,720,460, G>A on the plus strand (C>T on the coding strand, the complement: PIEZO1 is on the minus strand). VCF-style: chr16-88720460-G-A. GRCh37 (hg19) VCF-style: chr16-88786868-G-A.
Other names: c.5874C>T (NM_001142864.3).
Identifiers: ClinVar variation 1330713 (VCV001330713.18), dbSNP rs150214594, ClinGen allele CA8231746.
Genomic context (GRCh38, chr16:88,720,460, plus strand): 5'-GCCAAAAATGATGATGATGAAGTCGACAACATCAGCCAGGAACATGAGGGCATAGACGTC[G>A]GTGGCTGCGCGGTACTTGGTGTGCAGGATGTCGTGGAAGAAGCGCCGTAGCGGCCGATAT-3'
Protein context (NP_001136336.2, residues 1948-1968): DILHTKYRAA[Thr1958=]DVYALMFLAD